The following is an entry in ClinVar:

ClinVar aggregate classification (germline): Uncertain significance (1 of 4 stars; one submission).

Submission:

GeneDx
Classification: Uncertain significance. Last evaluated: 2023-04-21. Review status: criteria provided, single submitter. Criteria: GeneDx Variant Classification Process June 2021. Collection method: clinical testing. Allele origin: germline. Affected: yes.
Comment: Not observed at significant frequency in large population cohorts (gnomAD); In silico analysis supports that this missense variant has a deleterious effect on protein structure/function; Has not been previously published as pathogenic or benign to our knowledge

NM_001923.5(DDB1):c.3419A>G (p.His1140Arg)

Genes: DDB1 (damage specific DNA binding protein 1; minus strand), LOC126861224 (MED14-independent group 3 enhancer GRCh37_chr11:61067594-61068793; plus strand). Cytogenetic location: 11q12.2.
Variant type: single nucleotide variant.
Coding change: c.3419A>G on transcript NM_001923.5 (MANE Select); coding-DNA position 3419, A replaced by G.
Protein change: p.His1140Arg; replaces histidine 1140 with arginine.
Molecular consequence: missense variant.
Genome position (GRCh38, 1-based): chr11:61,300,140, T>C on the plus strand (A>G on the coding strand, the complement: DDB1 is on the minus strand). VCF-style: chr11-61300140-T-C. GRCh37 (hg19) VCF-style: chr11-61067612-T-C.
Other names: short protein forms H1140R.
Identifiers: ClinVar variation 2662664 (VCV002662664.1), dbSNP rs2539655305, ClinGen allele CA380655472.